The following is an entry in ClinVar:

ClinVar aggregate classification (germline): Likely benign. Review status: criteria provided, multiple submitters, no conflicts (2 of 4 stars). 2 submissions from 2 submitters: Likely benign (2). Last evaluated 2023-11-20.

Conditions:
Methylmalonic aciduria, cblB type (MACB). Also called: METHYLMALONIC ACIDURIA, VITAMIN B12-RESPONSIVE, DUE TO DEFECT IN SYNTHESIS OF ADENOSYLCOBALAMIN, cblB TYPE; Methylmalonic acidemia cblB type; Vitamin B12-responsive methylmalonic acidemia type cblB. Identifiers: Orphanet 28, Orphanet 79311, MedGen C1855102, MONDO:0009614, OMIM 251110.

gnomAD v4.1: 5 of 1,613,736 alleles (0.00031%); highest among the groups gnomAD compares: Non-Finnish European, 0.00042%; no homozygotes.

Submissions (2):

Labcorp Genetics (formerly Invitae), Labcorp
Classification: Likely benign for Methylmalonic aciduria, cblB type. Last evaluated: 2023-11-20. Review status: criteria provided, single submitter. Criteria: Invitae Variant Classification Sherloc (09022015). Collection method: clinical testing. Allele origin: germline.

GeneDx
Classification: Likely benign. Last evaluated: 2018-03-02. Review status: criteria provided, single submitter. Criteria: GeneDx Variant Classification (06012015). Collection method: clinical testing. Allele origin: germline. Affected: yes.
Comment: This variant is considered likely benign or benign based on one or more of the following criteria: it is a conservative change, it occurs at a poorly conserved position in the protein, it is predicted to be benign by multiple in silico algorithms, and/or has population frequency not consistent with disease.

NM_052845.4(MMAB):c.615C>G (p.Thr205=)

Gene: MMAB (metabolism of cobalamin associated B; minus strand). Cytogenetic location: 12q24.11.
Variant type: single nucleotide variant.
Coding change: c.615C>G on transcript NM_052845.4 (MANE Select); coding-DNA position 615, C replaced by G.
Protein change: p.Thr205=; no amino-acid change (threonine 205 retained).
Molecular consequence: synonymous variant. On other transcripts: non-coding transcript variant (1).
Genome position (GRCh38, 1-based): chr12:109,559,125, G>C on the plus strand (C>G on the coding strand, the complement: MMAB is on the minus strand). VCF-style: chr12-109559125-G-C. GRCh37 (hg19) VCF-style: chr12-109996930-G-C.
Identifiers: ClinVar variation 515735 (VCV000515735.8), dbSNP rs760629956, ClinGen allele CA481710448.
Genomic context (GRCh38, chr12:109,559,125, plus strand): 5'-AGAGAGGAACCCCCAGGTTCCACGCGAGTACCTGTTTAAGAACTTGGCCACGTTCGCATC[G>C]GTCTCTCCCATCTGGACAAGAGGCACCACACTAGAAAGGGAGGAGACACTGAGTCACGTG-3'
Protein context (NP_443077.1, residues 195-215): RVVPLVQMGE[Thr205=]DANVAKFLNR